The following is an entry in ClinVar:

ClinVar aggregate classification (germline): Conflicting classifications of pathogenicity. Review status: criteria provided, conflicting classifications (1 of 4 stars). 2 submissions from 2 submitters: Uncertain significance (1); Likely benign (1). Last evaluated 2025-11-01.

Allele frequency attached by ClinVar (database versions not stated): gnomAD 0.00013; ESP Exome Variant Server 0.00015; TOPMed 0.00015; 1000 Genomes Project 30x 0.00016; 1000 Genomes Project 0.00020; ExAC 0.00022.
gnomAD v4.1: 253 of 1,614,208 alleles (0.016%); highest among the groups gnomAD compares: Non-Finnish European, 0.016%; 1 homozygote.

Submissions (2):

CeGaT Center for Human Genetics Tuebingen
Classification: Likely benign. Last evaluated: 2025-11-01. Review status: criteria provided, single submitter. Criteria: CeGaT Center For Human Genetics Tuebingen Variant Classification Criteria Version 2. Collection method: clinical testing. Allele origin: germline. Affected: yes. Observed: 2 variant alleles.
Comment: TBL2: BP4

Ambry Genetics
Classification: Uncertain significance. Last evaluated: 2025-08-23. Review status: criteria provided, single submitter. Criteria: Ambry Variant Classification Scheme 2023. Collection method: clinical testing. Allele origin: germline.

NM_012453.4(TBL2):c.875G>A (p.Arg292Gln)

Gene: TBL2 (transducin beta like 2; minus strand). Cytogenetic location: 7q11.23.
Variant type: single nucleotide variant.
Coding change: c.875G>A on transcript NM_012453.4 (MANE Select); coding-DNA position 875, G replaced by A.
Protein change: p.Arg292Gln; replaces arginine 292 with glutamine.
Molecular consequence: missense variant.
Genome position (GRCh38, 1-based): chr7:73,571,192, C>T on the plus strand (G>A on the coding strand, the complement: TBL2 is on the minus strand). VCF-style: chr7-73571192-C-T. GRCh37 (hg19) VCF-style: chr7-72985522-C-T.
Other names: c.776G>A, p.Arg259Gln (NM_001362660.2); c.380G>A, p.Arg127Gln (NM_001362661.2, NM_001362662.2, NM_001362663.2); short protein forms R259Q, R292Q, R127Q.
Identifiers: ClinVar variation 2590250 (VCV002590250.27), dbSNP rs185080024, ClinGen allele CA4288522.
Genomic context (GRCh38, chr7:73,571,192, plus strand): 5'-CTGGTTGTCAAGAGGGGCCAAGAGCCACTGGTCAGACATCAGAGCGGATTCACTCACCTC[C>T]GTGAGTCGTTGGAGAAAGCAAACGAGTGCACAGCCGCGGAGTGGCCCTTTAGTTCGAAGG-3'
Protein context (NP_036585.1, residues 282-302): VHSFAFSNDS[Arg292Gln]RMASVSKDGT